The following is an entry in ClinVar:

ClinVar aggregate classification (germline): Uncertain significance (1 of 4 stars; one submission).

Conditions:
Neurofibromatosis, type 1 (NF1). Also called: VON RECKLINGHAUSEN DISEASE; Neurofibromatosis, type I; NEUROFIBROMATOSIS, TYPE I, SOMATIC; Peripheral type neurofibromatosis. Identifiers: Orphanet 636, MedGen C0027831, MONDO:0018975, OMIM 162200. Disease mechanism: loss of function.

Submission:

Labcorp Genetics (formerly Invitae), Labcorp
Classification: Uncertain significance for Neurofibromatosis, type 1. Last evaluated: 2025-12-13. Review status: criteria provided, single submitter. Criteria: Invitae Variant Classification Sherloc (09022015). Collection method: clinical testing. Allele origin: germline.
Comment: This sequence change replaces valine, which is neutral and non-polar, with phenylalanine, which is neutral and non-polar, at codon 346 of the NF1 protein (p.Val346Phe). This variant is not present in population databases (gnomAD no frequency). This variant has not been reported in the literature in individuals affected with NF1-related conditions. Invitae Evidence Modeling of protein sequence and biophysical properties (such as structural, functional, and spatial information, amino acid conservation, physicochemical variation, residue mobility, and thermodynamic stability) indicates that this missense variant is expected to disrupt NF1 protein function with a positive predictive value of 95%. In summary, the available evidence is currently insufficient to determine the role of this variant in disease. Therefore, it has been classified as a Variant of Uncertain Significance.

NM_001042492.3(NF1):c.1036G>T (p.Val346Phe)

Gene: NF1 (neurofibromin 1; plus strand). Cytogenetic location: 17q11.2.
Variant type: single nucleotide variant.
Coding change: c.1036G>T on transcript NM_001042492.3 (MANE Select); coding-DNA position 1036, G replaced by T.
Protein change: p.Val346Phe; replaces valine 346 with phenylalanine.
Molecular consequence: missense variant.
Genome position (GRCh38, 1-based): chr17:31,200,569, G>T. VCF-style: chr17-31200569-G-T. GRCh37 (hg19) VCF-style: chr17-29527587-G-T.
Other names: c.1036G>T, p.Val346Phe (NM_000267.4, NM_001128147.3); short protein forms V346F.
Identifiers: ClinVar variation 4800715 (VCV004800715.1).